The following is an entry in ClinVar:

NM_024675.4(PALB2):c.1685-1G>C

Gene: PALB2 (partner and localizer of BRCA2; minus strand). Cytogenetic location: 16p12.2.
Variant type: single nucleotide variant.
Coding change: c.1685-1G>C on transcript NM_024675.4 (MANE Select); the canonical splice acceptor site of the intron before coding-DNA position 1685, G replaced by C.
Molecular consequence: splice acceptor variant. On other transcripts: intron variant (1).
Genome position (GRCh38, 1-based): chr16:23,630,470, C>G on the plus strand (G>C on the coding strand, the complement: PALB2 is on the minus strand). VCF-style: chr16-23630470-C-G. GRCh37 (hg19) VCF-style: chr16-23641791-C-G.
Other names: c.1685-1G>C (NM_001407300.1, NM_001407299.1, NM_001407301.1 and 3 more transcripts); c.800-1G>C (NM_001407307.1, NM_001407309.1, NM_001407311.1 and 5 more transcripts); c.1625-1G>C (NM_001407296.1); c.49-1195G>C (NM_001407314.1); c.-104-1G>C (NM_001407313.1, NM_001407312.1).
Identifiers: ClinVar variation 379566 (VCV000379566.19), dbSNP rs1057520645, ClinGen allele CA16607339.

ClinVar aggregate classification (germline): Pathogenic/Likely pathogenic. Review status: criteria provided, multiple submitters, no conflicts (2 of 4 stars). 6 submissions from 6 submitters: Pathogenic (1); Likely pathogenic (5). Last evaluated 2025-12-19.

Conditions:
Hereditary cancer-predisposing syndrome. Also called: Neoplastic Syndromes, Hereditary; Tumor predisposition; Hereditary neoplastic syndrome; Hereditary Cancer Syndrome. Identifiers: Orphanet 140162, MedGen C0027672, MeSH D009386, MONDO:0015356.
Familial cancer of breast. Also called: BREAST CANCER, FAMILIAL; hereditary breast carcinoma; Hereditary breast cancer. Identifiers: Orphanet 227535, MedGen C0346153, MONDO:0016419, OMIM 114480. Disease mechanism: loss of function.

Submissions (6):

Ambry Genetics
Classification: Likely pathogenic for Hereditary cancer-predisposing syndrome. Last evaluated: 2025-12-19. Review status: criteria provided, single submitter. Criteria: Ambry Variant Classification Scheme 2023. Collection method: clinical testing. Allele origin: germline.
Comment: The c.1685-1G>C intronic variant results from a G to C substitution one nucleotide upstream from coding exon 5 of the PALB2 gene. This variant is considered to be rare based on population cohorts in the Genome Aggregation Database (gnomAD). This nucleotide position is highly conserved in available vertebrate species. In silico splice site analysis predicts that this alteration will weaken the native splice acceptor site and may result in the creation or strengthening of a novel splice acceptor site. RNA studies have demonstrated that this alteration results in abnormal splicing in the set of samples tested (Ambry internal data). Alterations that disrupt the canonical splice site are expected to cause aberrant splicing, resulting in an abnormal protein or a transcript that is subject to nonsense-mediated mRNA decay. Based on the majority of available evidence to date, this variant is likely to be pathogenic.

Labcorp Genetics (formerly Invitae), Labcorp
Classification: Likely pathogenic for Familial cancer of breast. Last evaluated: 2025-11-24. Review status: criteria provided, single submitter. Criteria: Invitae Variant Classification Sherloc (09022015). Collection method: clinical testing. Allele origin: germline.
Comment: This sequence change affects an acceptor splice site in intron 4 of the PALB2 gene. RNA analysis indicates that disruption of this splice site induces altered splicing and may result in an absent or altered protein product. This variant is not present in population databases (gnomAD no frequency). This variant has not been reported in the literature in individuals affected with PALB2-related conditions. ClinVar contains an entry for this variant (Variation ID: 379566). Studies have shown that disruption of this splice site results in activation of a cryptic splice site, and produces a non-functional protein and/or introduces a premature termination codon (internal data). In summary, the currently available evidence indicates that the variant is pathogenic, but additional data are needed to prove that conclusively. Therefore, this variant has been classified as Likely Pathogenic.

Quest Diagnostics Nichols Institute San Juan Capistrano
Classification: Likely pathogenic. Last evaluated: 2024-03-22. Review status: criteria provided, single submitter. Criteria: Quest Diagnostics criteria. Collection method: clinical testing. Allele origin: unknown.
Comment: The PALB2 c.1685-1G>C variant disrupts a canonical splice-acceptor site and is predicted to interfere with normal PALB2 mRNA splicing. This variant has been reported in the published literature in in an individual with ovarian cancer (PMID: 32546565 (2021)). A splicing study has reported that this variant may activate an alternate splice site (PMID: 30890586 (2019)).This variant has not been reported in large, multi-ethnic general populations (Genome Aggregation Database). Based on the available information, this variant is classified as likely pathogenic.

Myriad Genetics, Inc.
Classification: Likely pathogenic for Familial cancer of breast. Last evaluated: 2023-09-11. Review status: criteria provided, single submitter. Criteria: Myriad Autosomal Dominant, Autosomal Recessive and X-Linked Classification Criteria (2023). Collection method: clinical testing. Allele origin: unknown.
Comment: This variant is considered likely pathogenic. This variant occurs within a consensus splice junction and is predicted to result in abnormal mRNA splicing of either an out-of-frame exon or an in-frame exon necessary for protein stability and/or normal function.

Baylor Genetics
Classification: Likely pathogenic for Familial cancer of breast. Last evaluated: 2021-08-10. Review status: criteria provided, single submitter. Criteria: ACMG Guidelines, 2015. Collection method: clinical testing. Allele origin: unknown.

GeneDx
Classification: Pathogenic. Last evaluated: 2015-04-20. Review status: criteria provided, single submitter. Criteria: GeneDx Variant Classification (06012015). Collection method: clinical testing. Allele origin: germline. Affected: yes.
Comment: This pathogenic variant is denoted PALB2 c.1685-1G>C or IVS4-1G>C and consists of a G>C nucleotide substitution at the -1 position of intron 4 of the PALB2 gene. The variant destroys a canonical splice acceptor site and is predicted to cause abnormal gene splicing, leading to either an abnormal message that is subject to nonsense-mediated mRNA decay or to an abnormal protein product. This variant has not, to our knowledge, been published in the literature. Based on the current evidence, we consider PALB2 c.1685-1G>C to be pathogenic.

Literature cited by the submitters: PubMed 32546565 (cited by Quest Diagnostics Nichols Institute San Juan Capistrano); PubMed 30890586 (cited by Quest Diagnostics Nichols Institute San Juan Capistrano).